The following is an entry in ClinVar:

NM_005751.5(AKAP9):c.4039A>G (p.Ile1347Val)

Gene: AKAP9 (A-kinase anchoring protein 9; plus strand). Cytogenetic location: 7q21.2.
Variant type: single nucleotide variant.
Coding change: c.4039A>G on transcript NM_005751.5 (MANE Select); coding-DNA position 4039, A replaced by G.
Protein change: p.Ile1347Val; replaces isoleucine 1347 with valine.
Molecular consequence: missense variant.
Genome position (GRCh38, 1-based): chr7:92,022,900, A>G. VCF-style: chr7-92022900-A-G. GRCh37 (hg19) VCF-style: chr7-91652214-A-G.
Other names: c.4039A>G, p.Ile1347Val (NM_147185.3); short protein forms I1347V.
Identifiers: ClinVar variation 948715 (VCV000948715.9), dbSNP rs756091390, ClinGen allele CA4336469.
Genomic context (GRCh38, chr7:92,022,900, plus strand): 5'-TCTCTGCAAGATCTTGAAAAAACTAAACTTGAAGAACAAGTTCAAGAATTAGAAAGCCTC[A>G]TATCCTCTTTGCAGCAACAGTTGAAAGAAACTGAACAAAACTATGAGGCAGAGATCCACT-3'
Protein context (NP_005742.4, residues 1337-1357): EEQVQELESL[Ile1347Val]SSLQQQLKET

ClinVar aggregate classification (germline): Uncertain significance (1 of 4 stars; one submission).

Conditions:
Long QT syndrome (LQTS). Identifiers: MedGen C0023976, MeSH D008133, MONDO:0002442. Disease mechanism: loss of function. Inheritance: Various modes of inheritance.

Allele frequency attached by ClinVar (database versions not stated): gnomAD exomes below 0.00001; ExAC 0.00001.
gnomAD v4.1: 4 of 1,613,204 alleles (0.00025%); highest among the groups gnomAD compares: South Asian, 0.0033%; no homozygotes.

Submission:

Labcorp Genetics (formerly Invitae), Labcorp
Classification: Uncertain significance for Long QT syndrome. Last evaluated: 2019-05-16. Review status: criteria provided, single submitter. Criteria: Invitae Variant Classification Sherloc (09022015). Collection method: clinical testing. Allele origin: germline.
Comment: In summary, the available evidence is currently insufficient to determine the role of this variant in disease. Therefore, it has been classified as a Variant of Uncertain Significance. Algorithms developed to predict the effect of missense changes on protein structure and function output the following: SIFT: "Tolerated"; PolyPhen-2: "Benign"; Align-GVGD: "Class C0". The valine amino acid residue is found in multiple mammalian species, suggesting that this missense change does not adversely affect protein function. These predictions have not been confirmed by published functional studies and their clinical significance is uncertain. This variant has not been reported in the literature in individuals with AKAP9-related conditions. This variant is present in population databases (rs756091390, ExAC 0.006%). This sequence change replaces isoleucine with valine at codon 1347 of the AKAP9 protein (p.Ile1347Val). The isoleucine residue is weakly conserved and there is a small physicochemical difference between isoleucine and valine.